The following is an entry in ClinVar:

NM_001286445.3(RIPOR2):c.1757C>T (p.Ala586Val)

Gene: RIPOR2 (RHO family interacting cell polarization regulator 2; minus strand). Cytogenetic location: 6p22.3.
Variant type: single nucleotide variant.
Coding change: c.1757C>T on transcript NM_001286445.3 (MANE Select); coding-DNA position 1757, C replaced by T.
Protein change: p.Ala586Val; replaces alanine 586 with valine.
Molecular consequence: missense variant.
Genome position (GRCh38, 1-based): chr6:24,842,962, G>A on the plus strand (C>T on the coding strand, the complement: RIPOR2 is on the minus strand). VCF-style: chr6-24842962-G-A. GRCh37 (hg19) VCF-style: chr6-24843190-G-A.
Other names: c.1820C>T (NM_014722.4); c.1772C>T, p.Ala591Val (NM_001286446.3); c.1670C>T, p.Ala557Val (NM_001286447.2, NM_001346031.2, NM_001346032.2 and 1 more transcripts); c.1820C>T, p.Ala607Val (NM_014722.5); short protein forms A557V, A607V, A586V, A591V.
Identifiers: ClinVar variation 805270 (VCV000805270.13), dbSNP rs189463989, ClinGen allele CA3659194.

ClinVar aggregate classification (germline): Benign/Likely benign. Review status: criteria provided, multiple submitters, no conflicts (2 of 4 stars). 4 submissions from 4 submitters: Benign (2); Likely benign (1). 1 of the submissions does not count toward it. Last evaluated 2025-12-04.

Conditions:
RIPOR2-related disorder. Also called: RIPOR2-related condition.

Allele frequency attached by ClinVar (database versions not stated): TOPMed 0.00036; 1000 Genomes Project 30x 0.00047; ESP Exome Variant Server 0.00058; 1000 Genomes Project 0.00060; gnomAD exomes 0.00074 and 0.00098; ExAC 0.00096; gnomAD 0.00185.
gnomAD v4.1: 1,142 of 1,533,832 alleles (0.074%); highest among the groups gnomAD compares: Non-Finnish European, 0.06%; 1 homozygote.

Submissions (4):

Labcorp Genetics (formerly Invitae), Labcorp
Classification: Benign. Last evaluated: 2025-12-04. Review status: criteria provided, single submitter. Criteria: Invitae Variant Classification Sherloc (09022015). Collection method: clinical testing. Allele origin: germline.

GeneDx
Classification: Benign. Last evaluated: 2019-11-05. Review status: criteria provided, single submitter. Criteria: GeneDx Variant Classification Process June 2021. Collection method: clinical testing. Allele origin: germline. Affected: yes.

Athena Diagnostics
Classification: Likely benign. Last evaluated: 2019-03-15. Review status: criteria provided, single submitter. Criteria: Athena Diagnostics Criteria. Collection method: clinical testing. Allele origin: germline.

PreventionGenetics, part of Exact Sciences
Classification: Benign for RIPOR2-related condition. Last evaluated: 2020-09-01. Review status: no assertion criteria provided. Collection method: clinical testing. Allele origin: germline. Not counted in ClinVar's aggregate classification.
Comment: This variant is classified as benign based on ACMG/AMP sequence variant interpretation guidelines (Richards et al. 2015 PMID: 25741868, with internal and published modifications).